The following is an entry in ClinVar:

NM_003995.4(NPR2):c.472G>A (p.Gly158Arg)

Gene: NPR2 (natriuretic peptide receptor 2; plus strand). Cytogenetic location: 9p13.3.
Variant type: single nucleotide variant.
Coding change: c.472G>A on transcript NM_003995.4 (MANE Select); coding-DNA position 472, G replaced by A.
Protein change: p.Gly158Arg; replaces glycine 158 with arginine.
Molecular consequence: missense variant.
Genome position (GRCh38, 1-based): chr9:35,792,880, G>A. VCF-style: chr9-35792880-G-A. GRCh37 (hg19) VCF-style: chr9-35792877-G-A.
Other names: c.472G>A, p.Gly158Arg (NM_001378923.1); short protein forms G158R.
Identifiers: ClinVar variation 4793638 (VCV004793638.1).

ClinVar aggregate classification (germline): Uncertain significance (1 of 4 stars; one submission).

Conditions:
Tall stature-scoliosis-macrodactyly of the great toes syndrome. Also called: Epiphyseal chondrodysplasia, miura type. Identifiers: Orphanet 329191, MedGen C4014690, MONDO:0014401, OMIM 615923.
Acromesomelic dysplasia 1, Maroteaux type (AMD1). Also called: ST. HELENA DYSPLASIA; ACROMESOMELIC DYSPLASIA 1. Identifiers: Orphanet 40, MedGen C1864356, MONDO:0011275, OMIM 602875.

gnomAD v4.1: 4 of 1,614,068 alleles (0.00025%); highest among the groups gnomAD compares: East Asian, 0.0022%; no homozygotes.

Submission:

Labcorp Genetics (formerly Invitae), Labcorp
Classification: Uncertain significance for Tall stature-scoliosis-macrodactyly of the great toes syndrome; Acromesomelic dysplasia 1, Maroteaux type. Last evaluated: 2026-02-01. Review status: criteria provided, single submitter. Criteria: Invitae Variant Classification Sherloc (09022015). Collection method: clinical testing. Allele origin: germline.
Comment: This sequence change replaces glycine, which is neutral and non-polar, with arginine, which is basic and polar, at codon 158 of the NPR2 protein (p.Gly158Arg). This variant is present in population databases (rs780448567, gnomAD 0.0009%). This variant has not been reported in the literature in individuals affected with NPR2-related conditions. Invitae Evidence Modeling of protein sequence and biophysical properties (such as structural, functional, and spatial information, amino acid conservation, physicochemical variation, residue mobility, and thermodynamic stability) indicates that this missense variant is not expected to disrupt NPR2 protein function with a negative predictive value of 80%. In summary, the available evidence is currently insufficient to determine the role of this variant in disease. Therefore, it has been classified as a Variant of Uncertain Significance.